The following is an entry in ClinVar:

ClinVar aggregate classification (germline): Benign/Likely benign. Review status: criteria provided, multiple submitters, no conflicts (2 of 4 stars). 5 submissions from 5 submitters: Benign (2); Likely benign (2). 1 of the submissions does not count toward it. Last evaluated 2025-11-27.

Conditions:
Polycystic kidney disease 2 (PKD2). Also called: POLYCYSTIC KIDNEY DISEASE, ADULT, TYPE II; Polycystic Kidney Disease 2, Autosomal Dominant; POLYCYSTIC KIDNEY DISEASE 2 WITH OR WITHOUT POLYCYSTIC LIVER DISEASE. Identifiers: MedGen C2751306, MONDO:0013131, OMIM 613095.
PKD2-related disorder. Also called: PKD2-related condition.
Autosomal dominant polycystic kidney disease. Identifiers: Orphanet 730, MedGen C0085413, MONDO:0004691.

Allele frequency attached by ClinVar (database versions not stated): gnomAD 0.00001 and 0.00025; TOPMed 0.00002; gnomAD exomes 0.00045 and 0.00087; ExAC 0.00105; 1000 Genomes Project 30x 0.00156; 1000 Genomes Project 0.00180.
gnomAD v4.1: 693 of 1,613,746 alleles (0.043%); highest among the groups gnomAD compares: South Asian, 0.71%; 10 homozygotes.

Submissions (5):

Labcorp Genetics (formerly Invitae), Labcorp
Classification: Benign for Autosomal dominant polycystic kidney disease. Last evaluated: 2025-11-27. Review status: criteria provided, single submitter. Criteria: Invitae Variant Classification Sherloc (09022015). Collection method: clinical testing. Allele origin: germline.

Blueprint Genetics
Classification: Likely benign. Last evaluated: 2024-10-28. Review status: criteria provided, single submitter. Criteria: ACMG Guidelines, 2015. Collection method: clinical testing. Allele origin: germline.

Fulgent Genetics
Classification: Likely benign for Polycystic kidney disease 2. Last evaluated: 2021-12-22. Review status: criteria provided, single submitter. Criteria: ACMG Guidelines, 2015. Collection method: clinical testing. Allele origin: unknown.

Genetic Services Laboratory, University of Chicago
Classification: Benign. Last evaluated: 2018-09-17. Review status: criteria provided, single submitter. Criteria: ACMG Guidelines, 2015. Collection method: clinical testing. Allele origin: germline. Affected: no.

PreventionGenetics, part of Exact Sciences
Classification: Likely benign for PKD2-related condition. Last evaluated: 2019-12-31. Review status: no assertion criteria provided. Collection method: clinical testing. Allele origin: germline. Not counted in ClinVar's aggregate classification.
Comment: This variant is classified as likely benign based on ACMG/AMP sequence variant interpretation guidelines (Richards et al. 2015 PMID: 25741868, with internal and published modifications).

NM_000297.4(PKD2):c.2460C>T (p.Ser820=)

Gene: PKD2 (polycystin 2, transient receptor potential cation channel; plus strand). Cytogenetic location: 4q22.1.
Variant type: single nucleotide variant.
Coding change: c.2460C>T on transcript NM_000297.4 (MANE Select); coding-DNA position 2460, C replaced by T.
Protein change: p.Ser820=; no amino-acid change (serine 820 retained).
Molecular consequence: synonymous variant. On other transcripts: non-coding transcript variant (1).
Genome position (GRCh38, 1-based): chr4:88,067,999, C>T. VCF-style: chr4-88067999-C-T. GRCh37 (hg19) VCF-style: chr4-88989151-C-T.
Identifiers: ClinVar variation 1336016 (VCV001336016.15), dbSNP rs572822238, ClinGen allele CA3004253.
Genomic context (GRCh38, chr4:88,067,999, plus strand): 5'-GAGCAGCCGAAGTTTCCCTCGAAGCCTGGATGACTCTGAGGAGGATGACGATGAAGATAG[C>T]GGACATAGCTCCAGAAGGAGGGGAAGCATTTCTAGTGGCGTTTCTTACGAAGAGTTTCAA-3'
Protein context (NP_000288.1, residues 810-830): DDSEEDDDED[Ser820=]GHSSRRRGSI